The following is an entry in ClinVar:

ClinVar aggregate classification (germline): Uncertain significance (1 of 4 stars; one submission).

Conditions:
Nephronophthisis. Also called: Juvenile Nephronophthisis. Identifiers: Orphanet 655, MedGen C0687120, MONDO:0019005, HP:0000090.

gnomAD v4.1: 1 of 1,609,044 alleles (0.000062%); highest among the groups gnomAD compares: Non-Finnish European, 0.000085%; no homozygotes.

Submission:

Labcorp Genetics (formerly Invitae), Labcorp
Classification: Uncertain significance for Nephronophthisis. Last evaluated: 2024-01-22. Review status: criteria provided, single submitter. Criteria: Invitae Variant Classification Sherloc (09022015). Collection method: clinical testing. Allele origin: germline.
Comment: This sequence change replaces glutamic acid, which is acidic and polar, with glutamine, which is neutral and polar, at codon 139 of the NPHP1 protein (p.Glu139Gln). This variant is not present in population databases (gnomAD no frequency). This variant has not been reported in the literature in individuals affected with NPHP1-related conditions. ClinVar contains an entry for this variant (Variation ID: 1957716). Advanced modeling of protein sequence and biophysical properties (such as structural, functional, and spatial information, amino acid conservation, physicochemical variation, residue mobility, and thermodynamic stability) performed at Invitae indicates that this missense variant is not expected to disrupt NPHP1 protein function with a negative predictive value of 80%. In summary, the available evidence is currently insufficient to determine the role of this variant in disease. Therefore, it has been classified as a Variant of Uncertain Significance.

NM_001128178.3(NPHP1):c.415G>C (p.Glu139Gln)

Gene: NPHP1 (nephrocystin 1; minus strand). Cytogenetic location: 2q13.
Variant type: single nucleotide variant.
Coding change: c.415G>C on transcript NM_001128178.3 (MANE Select); coding-DNA position 415, G replaced by C.
Protein change: p.Glu139Gln; replaces glutamic acid 139 with glutamine.
Molecular consequence: missense variant.
Genome position (GRCh38, 1-based): chr2:110,169,913, C>G on the plus strand (G>C on the coding strand, the complement: NPHP1 is on the minus strand). VCF-style: chr2-110169913-C-G. GRCh37 (hg19) VCF-style: chr2-110927490-C-G.
Other names: c.415G>C, p.Glu139Gln (NM_000272.5, NM_001374256.1, NM_001374257.1 and 1 more transcripts); c.229G>C, p.Glu77Gln (NM_001128179.3); short protein forms E139Q, E77Q.
Identifiers: ClinVar variation 1957716 (VCV001957716.5), dbSNP rs1349732291, ClinGen allele CA348093019.
Genomic context (GRCh38, chr2:110,169,913, plus strand): 5'-CGATGTATTCTTCACCGGTTGACCATTTGTGAGATTCATTTTCCTCTTTCTCTTCCTCTT[C>G]CTCCTCTGCATCTTCTTCCTCCCCACCACTGTCTTCACTATCTTCACTTTCACTTTCTTC-3'
Protein context (NP_001121650.1, residues 129-149): SGGEEEDAEE[Glu139Gln]EEEKEENESH